The following is an entry in ClinVar:

NM_000138.5(FBN1):c.7595T>G (p.Ile2532Ser)

Gene: FBN1 (fibrillin 1; minus strand). Cytogenetic location: 15q21.1.
Variant type: single nucleotide variant.
Coding change: c.7595T>G on transcript NM_000138.5 (MANE Select); coding-DNA position 7595, T replaced by G.
Protein change: p.Ile2532Ser; replaces isoleucine 2532 with serine.
Molecular consequence: missense variant.
Genome position (GRCh38, 1-based): chr15:48,421,662, A>C on the plus strand (T>G on the coding strand, the complement: FBN1 is on the minus strand). VCF-style: chr15-48421662-A-C. GRCh37 (hg19) VCF-style: chr15-48713859-A-C.
Other names: c.7595T>G, p.Ile2532Ser (NM_001406716.1); short protein forms I2532S.
Identifiers: ClinVar variation 4789070 (VCV004789070.1).

ClinVar aggregate classification (germline): Uncertain significance (1 of 4 stars; one submission).

Conditions:
Marfan syndrome (MFS). Also called: FBN1-Related Marfan Syndrome; MARFAN SYNDROME, TYPE I; Marfan syndrome type 1; Marfan's syndrome; Marfan syndrome, classic. Identifiers: Orphanet 284963, Orphanet 558, MedGen C0024796, MONDO:0007947, OMIM 154700.
Familial thoracic aortic aneurysm and aortic dissection (TAAD). Also called: Thoracic aortic aneurysms and dissections. Identifiers: Orphanet 91387, MedGen C4707243, MONDO:0019625.

Submission:

Labcorp Genetics (formerly Invitae), Labcorp
Classification: Uncertain significance for Marfan syndrome; Familial thoracic aortic aneurysm and aortic dissection. Last evaluated: 2025-12-28. Review status: criteria provided, single submitter. Criteria: Invitae Variant Classification Sherloc (09022015). Collection method: clinical testing. Allele origin: germline.
Comment: This sequence change replaces isoleucine, which is neutral and non-polar, with serine, which is neutral and polar, at codon 2532 of the FBN1 protein (p.Ile2532Ser). This variant is not present in population databases (gnomAD no frequency). This variant has not been reported in the literature in individuals affected with FBN1-related conditions. Invitae Evidence Modeling of protein sequence and biophysical properties (such as structural, functional, and spatial information, amino acid conservation, physicochemical variation, residue mobility, and thermodynamic stability) indicates that this missense variant is not expected to disrupt FBN1 protein function with a negative predictive value of 95%. In summary, the available evidence is currently insufficient to determine the role of this variant in disease. Therefore, it has been classified as a Variant of Uncertain Significance.